The following is an entry in ClinVar:

NM_007194.4(CHEK2):c.390G>A (p.Leu130=)

Gene: CHEK2 (checkpoint kinase 2; minus strand). Cytogenetic location: 22q12.1.
Variant type: single nucleotide variant.
Coding change: c.390G>A on transcript NM_007194.4 (MANE Select); coding-DNA position 390, G replaced by A.
Protein change: p.Leu130=; no amino-acid change (leucine 130 retained).
Molecular consequence: synonymous variant.
Genome position (GRCh38, 1-based): chr22:28,725,297, C>T on the plus strand (G>A on the coding strand, the complement: CHEK2 is on the minus strand). VCF-style: chr22-28725297-C-T. GRCh37 (hg19) VCF-style: chr22-29121285-C-T.
Other names: c.519G>A, p.Leu173= (NM_001005735.3); c.-388G>A (NM_001257387.3); c.390G>A, p.Leu130= (NM_001349956.3, NM_145862.3).
Identifiers: ClinVar variation 386145 (VCV000386145.11), dbSNP rs1057522435, ClinGen allele CA16608616.

ClinVar aggregate classification (germline): Benign/Likely benign. Review status: criteria provided, multiple submitters, no conflicts (2 of 4 stars). 4 submissions from 4 submitters: Benign (1); Likely benign (3). Last evaluated 2024-10-02.

Conditions:
Familial cancer of breast. Also called: hereditary breast carcinoma; Hereditary breast cancer; BREAST CANCER, FAMILIAL. Identifiers: Orphanet 227535, MedGen C0346153, MONDO:0016419, OMIM 114480. Disease mechanism: loss of function.
Hereditary cancer-predisposing syndrome. Also called: Hereditary Cancer Syndrome; Hereditary neoplastic syndrome; Neoplastic Syndromes, Hereditary; Tumor predisposition. Identifiers: Orphanet 140162, MedGen C0027672, MeSH D009386, MONDO:0015356.

Submissions (4):

Myriad Genetics, Inc.
Classification: Benign for Familial cancer of breast. Last evaluated: 2024-10-02. Review status: criteria provided, single submitter. Criteria: Myriad Autosomal Dominant, Autosomal Recessive and X-Linked Classification Criteria (2023). Collection method: clinical testing. Allele origin: unknown.
Comment: This variant is considered benign. This variant is a silent/synonymous amino acid change and it is not expected to impact splicing.

Ambry Genetics
Classification: Likely benign for Hereditary cancer-predisposing syndrome. Last evaluated: 2023-11-21. Review status: criteria provided, single submitter. Criteria: Ambry Variant Classification Scheme 2023. Collection method: clinical testing. Allele origin: germline.

Labcorp Genetics (formerly Invitae), Labcorp
Classification: Likely benign for Familial cancer of breast. Last evaluated: 2022-05-05. Review status: criteria provided, single submitter. Criteria: Invitae Variant Classification Sherloc (09022015). Collection method: clinical testing. Allele origin: germline.

GeneDx
Classification: Likely benign. Last evaluated: 2016-05-11. Review status: criteria provided, single submitter. Criteria: GeneDx Variant Classification (06012015). Collection method: clinical testing. Allele origin: germline. Affected: yes.
Comment: This variant is considered likely benign or benign based on one or more of the following criteria: it is a conservative change, it occurs at a poorly conserved position in the protein, it is predicted to be benign by multiple in silico algorithms, and/or has population frequency not consistent with disease.